The following is an entry in ClinVar:

ClinVar aggregate classification (germline): Uncertain significance (1 of 4 stars; one submission).

Conditions:
Dyskeratosis congenita, autosomal recessive 6 (DKCB6). Identifiers: MedGen C4225356, MONDO:0014600, OMIM 616353.
Pulmonary fibrosis and/or bone marrow failure, Telomere-related, 4. Also called: PULMONARY FIBROSIS AND/OR BONE MARROW FAILURE SYNDROME, TELOMERE-RELATED, 4. Identifiers: Orphanet 2032, MedGen C4225347, MONDO:0014612, OMIM 616371.

Allele frequency attached by ClinVar (database versions not stated): gnomAD exomes below 0.00001 and 0.00001; TOPMed below 0.00001; gnomAD 0.00001.
gnomAD v4.1: 7 of 1,596,184 alleles (0.00044%); highest among the groups gnomAD compares: Non-Finnish European, 0.0006%; no homozygotes.

Submission:

Labcorp Genetics (formerly Invitae), Labcorp
Classification: Uncertain significance for Dyskeratosis congenita, autosomal recessive 6; Pulmonary fibrosis and/or bone marrow failure, Telomere-related, 4. Last evaluated: 2024-02-23. Review status: criteria provided, single submitter. Criteria: Invitae Variant Classification Sherloc (09022015). Collection method: clinical testing. Allele origin: germline.
Comment: This sequence change replaces isoleucine, which is neutral and non-polar, with valine, which is neutral and non-polar, at codon 84 of the PARN protein (p.Ile84Val). The frequency data for this variant in the population databases is considered unreliable, as metrics indicate poor data quality at this position in the gnomAD database. This variant has not been reported in the literature in individuals affected with PARN-related conditions. ClinVar contains an entry for this variant (Variation ID: 1450355). Advanced modeling of protein sequence and biophysical properties (such as structural, functional, and spatial information, amino acid conservation, physicochemical variation, residue mobility, and thermodynamic stability) performed at Invitae indicates that this missense variant is not expected to disrupt PARN protein function with a negative predictive value of 80%. In summary, the available evidence is currently insufficient to determine the role of this variant in disease. Therefore, it has been classified as a Variant of Uncertain Significance.

NM_002582.4(PARN):c.250A>G (p.Ile84Val)

Gene: PARN (poly(A)-specific ribonuclease; minus strand). Cytogenetic location: 16p13.12.
Variant type: single nucleotide variant.
Coding change: c.250A>G on transcript NM_002582.4 (MANE Select); coding-DNA position 250, A replaced by G.
Protein change: p.Ile84Val; replaces isoleucine 84 with valine.
Molecular consequence: missense variant. On other transcripts: intron variant (1).
Genome position (GRCh38, 1-based): chr16:14,627,183, T>C on the plus strand (A>G on the coding strand, the complement: PARN is on the minus strand). VCF-style: chr16-14627183-T-C. GRCh37 (hg19) VCF-style: chr16-14721040-T-C.
Other names: c.67A>G, p.Ile23Val (NM_001134477.3); c.159-47A>G (NM_001242992.2); short protein forms I23V, I84V.
Identifiers: ClinVar variation 1450355 (VCV001450355.6), dbSNP rs1430004851, ClinGen allele CA394816135.